The following is an entry in ClinVar:

NM_001365999.1(SZT2):c.4795G>A (p.Glu1599Lys)

Gene: SZT2 (SZT2 subunit of KICSTOR complex; plus strand). Cytogenetic location: 1p34.2.
Variant type: single nucleotide variant.
Coding change: c.4795G>A on transcript NM_001365999.1 (MANE Select); coding-DNA position 4795, G replaced by A.
Protein change: p.Glu1599Lys; replaces glutamic acid 1599 with lysine.
Molecular consequence: missense variant.
Genome position (GRCh38, 1-based): chr1:43,430,969, G>A. VCF-style: chr1-43430969-G-A. GRCh37 (hg19) VCF-style: chr1-43896640-G-A.
Other names: c.4624G>A, p.Glu1542Lys (NM_015284.4); short protein forms E1542K, E1599K.
Identifiers: ClinVar variation 645381 (VCV000645381.8), dbSNP rs1570670138, ClinGen allele CA340022748.

ClinVar aggregate classification (germline): Uncertain significance (1 of 4 stars; one submission).

Submission:

Labcorp Genetics (formerly Invitae), Labcorp
Classification: Uncertain significance. Last evaluated: 2018-12-15. Review status: criteria provided, single submitter. Criteria: Invitae Variant Classification Sherloc (09022015). Collection method: clinical testing. Allele origin: germline.
Comment: This variant has not been reported in the literature in individuals with SZT2-related conditions. This variant is not present in population databases (ExAC no frequency). This sequence change replaces glutamic acid with lysine at codon 1542 of the SZT2 protein (p.Glu1542Lys). The glutamic acid residue is highly conserved and there is a small physicochemical difference between glutamic acid and lysine. Algorithms developed to predict the effect of missense changes on protein structure and function are either unavailable or do not agree on the potential impact of this missense change (SIFT: "Tolerated"; PolyPhen-2: "Probably Damaging"; Align-GVGD: "Class C0"). In summary, the available evidence is currently insufficient to determine the role of this variant in disease. Therefore, it has been classified as a Variant of Uncertain Significance.